The following is an entry in ClinVar:

ClinVar aggregate classification (germline): Uncertain significance (1 of 4 stars; one submission).

Conditions:
Microcephaly, normal intelligence and immunodeficiency (NBS). Also called: IMMUNODEFICIENCY, MICROCEPHALY, AND CHROMOSOMAL INSTABILITY; SEEMANOVA SYNDROME II; Immunodeficiency, microcephaly with normal intelligence; Nijmegen breakage syndrome; Microcephaly with normal intelligence immunodeficiency and lymphoreticular malignancies; Nonsyndromal microcephaly autosomal recessive with normal intelligence. Identifiers: Orphanet 647, MedGen C0398791, MONDO:0009623, OMIM 251260.

Allele frequency attached by ClinVar (database versions not stated): gnomAD exomes below 0.00001.
gnomAD v4.1: 2 of 1,601,980 alleles (0.00012%); highest among the groups gnomAD compares: South Asian, 0.0022%; 1 homozygote.

Submission:

Labcorp Genetics (formerly Invitae), Labcorp
Classification: Uncertain significance for Microcephaly, normal intelligence and immunodeficiency. Last evaluated: 2023-09-10. Review status: criteria provided, single submitter. Criteria: Invitae Variant Classification Sherloc (09022015). Collection method: clinical testing. Allele origin: germline.
Comment: This sequence change replaces aspartic acid, which is acidic and polar, with tyrosine, which is neutral and polar, at codon 678 of the NBN protein (p.Asp678Tyr). This variant is not present in population databases (gnomAD no frequency). This variant has not been reported in the literature in individuals affected with NBN-related conditions. An algorithm developed to predict the effect of missense changes on protein structure and function (PolyPhen-2) suggests that this variant is likely to be tolerated. In summary, the available evidence is currently insufficient to determine the role of this variant in disease. Therefore, it has been classified as a Variant of Uncertain Significance.

NM_002485.5(NBN):c.2032G>T (p.Asp678Tyr)

Gene: NBN (nibrin; minus strand). Cytogenetic location: 8q21.3.
Variant type: single nucleotide variant.
Coding change: c.2032G>T on transcript NM_002485.5 (MANE Select); coding-DNA position 2032, G replaced by T.
Protein change: p.Asp678Tyr; replaces aspartic acid 678 with tyrosine.
Molecular consequence: missense variant.
Genome position (GRCh38, 1-based): chr8:89,946,178, C>A on the plus strand (G>T on the coding strand, the complement: NBN is on the minus strand). VCF-style: chr8-89946178-C-A. GRCh37 (hg19) VCF-style: chr8-90958406-C-A.
Other names: c.1786G>T, p.Asp596Tyr (NM_001024688.3); short protein forms D596Y, D678Y.
Identifiers: ClinVar variation 2759997 (VCV002759997.3), dbSNP rs2130763841, ClinGen allele CA371676402.